The following is an entry in ClinVar:

NM_000891.3(KCNJ2):c.4G>A (p.Gly2Ser)

Gene: KCNJ2 (potassium inwardly rectifying channel subfamily J member 2; plus strand). Cytogenetic location: 17q24.3.
Variant type: single nucleotide variant.
Coding change: c.4G>A on transcript NM_000891.3 (MANE Select); coding-DNA position 4, G replaced by A.
Protein change: p.Gly2Ser; replaces glycine 2 with serine.
Molecular consequence: missense variant.
Genome position (GRCh38, 1-based): chr17:70,175,043, G>A. VCF-style: chr17-70175043-G-A. GRCh37 (hg19) VCF-style: chr17-68171184-G-A.
Other names: short protein forms G2S.
Identifiers: ClinVar variation 4858648 (VCV004858648.1).

ClinVar aggregate classification (germline): Uncertain significance (1 of 4 stars; one submission).

Conditions:
Cardiovascular phenotype. Identifiers: MedGen CN230736.

Submission:

Ambry Genetics
Classification: Uncertain significance for Cardiovascular phenotype. Last evaluated: 2026-04-27. Review status: criteria provided, single submitter. Criteria: Ambry Variant Classification Scheme 2023. Collection method: clinical testing. Allele origin: germline.
Comment: The p.G2S variant (also known as c.4G>A), located in coding exon 1 of the KCNJ2 gene, results from a G to A substitution at nucleotide position 4. The glycine at codon 2 is replaced by serine, an amino acid with similar properties. This amino acid position is conserved. In addition, this alteration is predicted to be tolerated by in silico analysis. Based on the available evidence, the clinical significance of this variant remains unclear.